The following is an entry in ClinVar:

NC_000022.10:g.(?_32150908)_(32150985_?)del

Gene: DEPDC5 (DEP domain containing 5, GATOR1 subcomplex subunit; plus strand). Cytogenetic location: 22q12.2.
Variant type: Deletion.
Identifiers: ClinVar variation 3247777 (VCV003247777.1).

ClinVar aggregate classification (germline): Pathogenic (1 of 4 stars; one submission).

Conditions:
Familial focal epilepsy with variable foci (FPEVF). Identifiers: Orphanet 98820, MedGen C1858477, MONDO:0020310.

Submission:

Labcorp Genetics (formerly Invitae), Labcorp
Classification: Pathogenic for Familial focal epilepsy with variable foci. Last evaluated: 2023-12-31. Review status: criteria provided, single submitter. Criteria: Invitae Variant Classification Sherloc (09022015). Collection method: clinical testing. Allele origin: unknown.
Comment: This variant is a gross deletion of the genomic region encompassing exon(s) 2 of the DEPDC5 gene, which includes the initiator codon. This deletion extends beyond the assayed region for this gene and therefore may encompass additional genes. It is expected to result in an absent or disrupted protein product. Loss-of-function variants in DEPDC5 are known to be pathogenic (PMID: 23542697, 23542701). This variant has not been reported in the literature in individuals affected with DEPDC5-related conditions. For these reasons, this variant has been classified as Pathogenic.

Literature cited by the submitters: PubMed 23542697; PubMed 23542701.